The following is an entry in ClinVar:

ClinVar aggregate classification (germline): Conflicting classifications of pathogenicity. Review status: criteria provided, conflicting classifications (1 of 4 stars). 6 submissions from 6 submitters: Uncertain significance (4); Likely benign (2). Last evaluated 2024-08-05.

Conditions:
Hereditary breast ovarian cancer syndrome. Also called: Breast and ovarian cancer; Hereditary breast and ovarian cancer; Hereditary breast and ovarian cancer syndrome; Hereditary breast and/or ovarian cancer syndrome; BRCA1- and BRCA2-Associated Hereditary Breast and Ovarian Cancer; Hereditary breast and ovarian cancer syndrome (HBOC). Identifiers: Orphanet 145, MedGen C0677776, MeSH D061325, MONDO:0003582. Disease mechanism: loss of function.
Breast-ovarian cancer, familial, susceptibility to, 1 (BROVCA1). Also called: BRCA1 Hereditary Breast and Ovarian Cancer; OVARIAN CANCER, SUSCEPTIBILITY TO. Identifiers: Orphanet 145, MedGen C2676676, MONDO:0011450, OMIM 604370. Disease mechanism: loss of function.
Hereditary cancer-predisposing syndrome. Also called: Tumor predisposition; Hereditary Cancer Syndrome; Neoplastic Syndromes, Hereditary; Hereditary neoplastic syndrome. Identifiers: Orphanet 140162, MedGen C0027672, MeSH D009386, MONDO:0015356.

Allele frequency attached by ClinVar (database versions not stated): TOPMed below 0.00001.

Submissions (6):

Ambry Genetics
Classification: Uncertain significance for Hereditary cancer-predisposing syndrome. Last evaluated: 2024-08-05. Review status: criteria provided, single submitter. Criteria: Ambry Variant Classification Scheme 2023. Collection method: clinical testing. Allele origin: germline.
Comment: The p.Q1299R variant (also known as c.3896A>G), located in coding exon 9 of the BRCA1 gene, results from an A to G substitution at nucleotide position 3896. The glutamine at codon 1299 is replaced by arginine, an amino acid with highly similar properties. This amino acid position is well conserved in available vertebrate species. In addition, the in silico prediction for this alteration is inconclusive. Since supporting evidence is limited at this time, the clinical significance of this alteration remains unclear.

Myriad Genetics, Inc.
Classification: Likely benign for Breast-ovarian cancer, familial, susceptibility to, 1. Last evaluated: 2024-04-29. Review status: criteria provided, single submitter. Criteria: Myriad Autosomal Dominant, Autosomal Recessive and X-Linked Classification Criteria (2023). Collection method: clinical testing. Allele origin: unknown.
Comment: This variant is considered likely benign. This variant is strongly associated with less severe personal and family histories of cancer, typical for individuals without pathogenic variants in this gene [PMID: 25085752].

Labcorp Genetics (formerly Invitae), Labcorp
Classification: Uncertain significance for Hereditary breast ovarian cancer syndrome. Last evaluated: 2024-03-05. Review status: criteria provided, single submitter. Criteria: Invitae Variant Classification Sherloc (09022015). Collection method: clinical testing. Allele origin: germline.
Comment: This sequence change replaces glutamine, which is neutral and polar, with arginine, which is basic and polar, at codon 1299 of the BRCA1 protein (p.Gln1299Arg). This variant is not present in population databases (gnomAD no frequency). This variant has not been reported in the literature in individuals affected with BRCA1-related conditions. ClinVar contains an entry for this variant (Variation ID: 234126). Advanced modeling of protein sequence and biophysical properties (such as structural, functional, and spatial information, amino acid conservation, physicochemical variation, residue mobility, and thermodynamic stability) performed at Invitae indicates that this missense variant is not expected to disrupt BRCA1 protein function with a negative predictive value of 95%. In summary, the available evidence is currently insufficient to determine the role of this variant in disease. Therefore, it has been classified as a Variant of Uncertain Significance.

University of Washington Department of Laboratory Medicine, University of Washington
Classification: Likely benign for Hereditary cancer-predisposing syndrome. Last evaluated: 2023-03-23. Review status: criteria provided, single submitter. Criteria: Dines et al. (Genet Med. 2020). Collection method: curation. Allele origin: germline.
Comment: Missense variant in a coldspot region where missense variants are very unlikely to be pathogenic (PMID:31911673).

BRCA1 coldspot (exon 11 using historical exon numbering). Reclassification based on statistical prior probability

Quest Diagnostics Nichols Institute San Juan Capistrano
Classification: Uncertain significance. Last evaluated: 2020-01-03. Review status: criteria provided, single submitter. Criteria: Quest Diagnostics criteria. Collection method: clinical testing. Allele origin: unknown.

GeneDx
Classification: Uncertain significance. Last evaluated: 2019-08-26. Review status: criteria provided, single submitter. Criteria: GeneDx Variant Classification Process June 2021. Collection method: clinical testing. Allele origin: germline. Affected: yes.
Comment: Not observed in large population cohorts (Lek 2016); In silico analysis, which includes protein predictors and evolutionary conservation, supports that this variant does not alter protein structure/function; Has not been previously published as pathogenic or benign to our knowledge

Literature cited by the submitters: PubMed 25085752 (cited by Myriad Genetics, Inc.).

NM_007294.4(BRCA1):c.3896A>G (p.Gln1299Arg)

Genes: BRCA1 (BRCA1 DNA repair associated; minus strand), LOC126862571 (BRD4-independent group 4 enhancer GRCh37_chr17:41243136-41244335; plus strand). Cytogenetic location: 17q21.31.
Variant type: single nucleotide variant.
Coding change: c.3896A>G on transcript NM_007294.4 (MANE Select); coding-DNA position 3896, A replaced by G.
Protein change: p.Gln1299Arg; replaces glutamine 1299 with arginine.
Molecular consequence: missense variant. On other transcripts: intron variant (135).
Genome position (GRCh38, 1-based): chr17:43,091,635, T>C on the plus strand (A>G on the coding strand, the complement: BRCA1 is on the minus strand). VCF-style: chr17-43091635-T-C. GRCh37 (hg19) VCF-style: chr17-41243652-T-C.
Other names: c.3896A>G, p.Gln1299Arg (NM_001407641.1, NM_001407642.1, NM_001407652.1 and 30 more transcripts); c.3893A>G, p.Gln1298Arg (NM_001407644.1, NM_001407645.1, NM_001407860.1 and 22 more transcripts); c.3887A>G, p.Gln1296Arg (NM_001407646.1, NM_001407647.1); c.3773A>G, p.Gln1258Arg (NM_001407648.1, NM_001407664.1, NM_001407665.1 and 19 more transcripts); c.3770A>G, p.Gln1257Arg (NM_001407649.1, NM_001407670.1, NM_001407671.1 and 11 more transcripts); c.3818A>G, p.Gln1273Arg (NM_001407653.1, NM_001407654.1, NM_001407655.1 and 4 more transcripts); c.3815A>G, p.Gln1272Arg (NM_001407659.1, NM_001407660.1, NM_001407661.1 and 1 more transcripts); c.3755A>G, p.Gln1252Arg (NM_001407692.1, NM_001407694.1, NM_001407695.1 and 29 more transcripts); and 41 more; short protein forms Q1299R, Q1252R, Q1210R, Q1211R, Q1228R, Q1229R, Q1272R, Q1172R.
Identifiers: ClinVar variation 234126 (VCV000234126.22), dbSNP rs876660866, ClinGen allele CA10580545.
Genomic context (GRCh38, chr17:43,091,635, plus strand): 5'-CCAATCAAGAAAGGATCCTGGGTGTTTGTATTTGCAGTCAAGTCTTCCAATTCACTGCAC[T>C]GTGAAGAAAACAAGCTAGCAGAACATTTTGTTTCCTCACTAAGGTGATGTTCCTGAGATG-3'
Protein context (NP_009225.1, residues 1289-1309): TKCSASLFSS[Gln1299Arg]CSELEDLTAN